The following is an entry in ClinVar:

ClinVar aggregate classification (germline): Uncertain significance (1 of 4 stars; one submission).

Conditions:
Familial thoracic aortic aneurysm and aortic dissection (TAAD). Also called: Thoracic aortic aneurysms and dissections. Identifiers: Orphanet 91387, MedGen C4707243, MONDO:0019625.

Submission:

Ambry Genetics
Classification: Uncertain significance for Familial thoracic aortic aneurysm and aortic dissection. Last evaluated: 2026-06-06. Review status: criteria provided, single submitter. Criteria: Ambry Variant Classification Scheme 2023. Collection method: clinical testing. Allele origin: germline.
Comment: The p.N613D variant (also known as c.1837A>G), located in coding exon 16 of the PRKG1 gene, results from an A to G substitution at nucleotide position 1837. The asparagine at codon 613 is replaced by aspartic acid, an amino acid with highly similar properties. This amino acid position is conserved. In addition, this alteration is predicted to be tolerated by in silico analysis. Based on the available evidence, the clinical significance of this variant remains unclear.

NM_006258.4(PRKG1):c.1837A>G (p.Asn613Asp)

Gene: PRKG1 (protein kinase cGMP-dependent 1; plus strand). Cytogenetic location: 10q21.1.
Variant type: single nucleotide variant.
Coding change: c.1837A>G on transcript NM_006258.4 (MANE Select); coding-DNA position 1837, A replaced by G.
Protein change: p.Asn613Asp; replaces asparagine 613 with aspartic acid.
Molecular consequence: missense variant.
Genome position (GRCh38, 1-based): chr10:52,288,935, A>G. VCF-style: chr10-52288935-A-G. GRCh37 (hg19) VCF-style: chr10-54048695-A-G.
Other names: c.1792A>G, p.Asn598Asp (NM_001098512.3); c.628A>G, p.Asn210Asp (NM_001374781.1); short protein forms N210D, N598D, N613D.
Identifiers: ClinVar variation 4862534 (VCV004862534.1).